The following is an entry in ClinVar:

ClinVar aggregate classification (germline): Uncertain significance (1 of 4 stars; one submission).

Submission:

Labcorp Genetics (formerly Invitae), Labcorp
Classification: Uncertain significance. Last evaluated: 2025-12-21. Review status: criteria provided, single submitter. Criteria: Invitae Variant Classification Sherloc (09022015). Collection method: clinical testing. Allele origin: germline.
Comment: This sequence change replaces serine, which is neutral and polar, with glycine, which is neutral and non-polar, at codon 160 of the CHM protein (p.Ser160Gly). This variant is not present in population databases (gnomAD no frequency). This variant has not been reported in the literature in individuals affected with CHM-related conditions. An algorithm developed to predict the effect of missense changes on protein structure and function (PolyPhen-2) suggests that this variant is likely to be tolerated. In summary, the available evidence is currently insufficient to determine the role of this variant in disease. Therefore, it has been classified as a Variant of Uncertain Significance.

NM_000390.4(CHM):c.478A>G (p.Ser160Gly)

Genes: CHM (CHM Rab escort protein; minus strand), LOC129391306 (MPRA-validated peak7401 silencer; plus strand). Cytogenetic location: Xq21.2.
Variant type: single nucleotide variant.
Coding change: c.478A>G on transcript NM_000390.4 (MANE Select); coding-DNA position 478, A replaced by G.
Protein change: p.Ser160Gly; replaces serine 160 with glycine.
Molecular consequence: missense variant.
Genome position (GRCh38, 1-based): chrX:85,963,889, T>C on the plus strand (A>G on the coding strand, the complement: CHM is on the minus strand). VCF-style: chrX-85963889-T-C. GRCh37 (hg19) VCF-style: chrX-85218894-T-C.
Other names: c.34A>G, p.Ser12Gly (NM_001320959.1, NM_001362517.1, NM_001362518.2 and 1 more transcripts); short protein forms S12G, S160G.
Identifiers: ClinVar variation 4759531 (VCV004759531.1).